The following is an entry in ClinVar:

NM_016008.4(DYNC2LI1):c.764T>C (p.Leu255Pro)

Gene: DYNC2LI1 (dynein cytoplasmic 2 light intermediate chain 1; plus strand). Cytogenetic location: 2p21.
Variant type: single nucleotide variant.
Coding change: c.764T>C on transcript NM_016008.4 (MANE Select); coding-DNA position 764, T replaced by C.
Protein change: p.Leu255Pro; replaces leucine 255 with proline.
Molecular consequence: missense variant.
Genome position (GRCh38, 1-based): chr2:43,801,671, T>C. VCF-style: chr2-43801671-T-C. GRCh37 (hg19) VCF-style: chr2-44028810-T-C.
Other names: c.767T>C, p.Leu256Pro (NM_001193464.2, NM_001348913.2); c.764T>C, p.Leu255Pro (NM_001348912.2); short protein forms L255P, L256P.
Identifiers: ClinVar variation 1806184 (VCV001806184.1), dbSNP rs1288791611, ClinGen allele CA346660237.

ClinVar aggregate classification (germline): Uncertain significance (1 of 4 stars; one submission).

Conditions:
Short-rib thoracic dysplasia 15 with polydactyly (SRTD15). Identifiers: MedGen C4310724, MONDO:0014907, OMIM 617088.

Submission:

Victorian Clinical Genetics Services, Murdoch Childrens Research Institute
Classification: Uncertain significance for Short-rib thoracic dysplasia 15 with polydactyly. Last evaluated: 2021-05-06. Review status: criteria provided, single submitter. Criteria: ACMG Guidelines, 2015. Collection method: clinical testing. Allele origin: germline. Inheritance: Autosomal recessive inheritance. Affected: yes.
Comment: Based on the classification scheme VCGS_Germline_v1.3.4, this variant is classified as 3A-VUS. Following criteria are met: 0102 - Loss of function is a known mechanism of disease in this gene and is associated with short-rib thoracic dysplasia 15 with polydactyly (MIM#617088). (I) 0106 - This gene is associated with autosomal recessive disease. (I) 0115 - Variants in this gene are known to have variable expressivity. Both inter and intra-familial variability have been reported (OMIM). (I) 0200 - Variant is predicted to result in a missense amino acid change from leucine to proline. (I) 0251 - This variant is heterozygous. (I) 0301 - Variant is absent from gnomAD (both v2 and v3). (SP) 0502 - Missense variant with conflicting in silico predictions and uninformative conservation. (I) 0604 - Variant is not located in an established domain, motif, hotspot or informative constraint region. (I) 0705 - No comparable missense variants have previous evidence for pathogenicity. (I) 0807 - This variant has no previous evidence of pathogenicity. (I) 0905 - No published segregation evidence has been identified for this variant. (I) 1007 - No published functional evidence has been identified for this variant. (I) 1102 - Strong phenotype match for this individual. (I) Legend: (SP) - Supporting pathogenic, (I) - Information, (SB) - Supporting benign